The following is an entry in ClinVar:

NM_177438.3(DICER1):c.1377-20A>G

Gene: DICER1 (dicer 1, ribonuclease III; minus strand). Cytogenetic location: 14q32.13.
Variant type: single nucleotide variant.
Coding change: c.1377-20A>G on transcript NM_177438.3 (MANE Select); 20 bases into the intron before coding-DNA position 1377, A replaced by G.
Molecular consequence: intron variant.
Genome position (GRCh38, 1-based): chr14:95,117,774, T>C on the plus strand (A>G on the coding strand, the complement: DICER1 is on the minus strand). VCF-style: chr14-95117774-T-C. GRCh37 (hg19) VCF-style: chr14-95584111-T-C.
Other names: c.1377-20A>G (NM_001291628.2, NM_030621.4, NM_001271282.3 and 1 more transcripts).
Identifiers: ClinVar variation 1388781 (VCV001388781.7), dbSNP rs1379083455, ClinGen allele CA2573150324.

ClinVar aggregate classification (germline): Uncertain significance (1 of 4 stars; one submission).

Conditions:
DICER1-related tumor predisposition. Also called: DICER1 syndrome; DICER1-related pleuropulmonary blastoma cancer predisposition syndrome. Identifiers: Orphanet 284343, MedGen C3839822, MONDO:0100216.

gnomAD v4.1: 2 of 1,612,804 alleles (0.00012%); highest among the groups gnomAD compares: Non-Finnish European, 0.00017%; no homozygotes.

Submission:

Labcorp Genetics (formerly Invitae), Labcorp
Classification: Uncertain significance for DICER1-related tumor predisposition. Last evaluated: 2025-07-18. Review status: criteria provided, single submitter. Criteria: Invitae Variant Classification Sherloc (09022015). Collection method: clinical testing. Allele origin: germline.
Comment: This sequence change falls in intron 8 of the DICER1 gene. It does not directly change the encoded amino acid sequence of the DICER1 protein. This variant is not present in population databases (gnomAD no frequency). This variant has not been reported in the literature in individuals affected with DICER1-related conditions. ClinVar contains an entry for this variant (Variation ID: 1388781). Studies have shown that this variant is associated with inconclusive levels of altered splicing (internal data). In summary, the available evidence is currently insufficient to determine the role of this variant in disease. Therefore, it has been classified as a Variant of Uncertain Significance.